The following is an entry in ClinVar:

ClinVar aggregate classification (germline): Conflicting classifications of pathogenicity. Review status: criteria provided, conflicting classifications (1 of 4 stars). 5 submissions from 5 submitters: Uncertain significance (2); Likely benign (1). 2 of the submissions do not count toward it. Last evaluated 2024-02-19.

Conditions:
PKHD1-related disorder. Also called: PKHD1-related condition.
Autosomal recessive polycystic kidney disease (ARPKD). Also called: AR polycystic kidney disease. Identifiers: Orphanet 731, Orphanet 8378, MedGen C0085548, MeSH D017044, MONDO:0009889.

Allele frequency attached by ClinVar (database versions not stated): TOPMed 0.00005; gnomAD 0.00006; gnomAD exomes 0.00009.
gnomAD v4.1: 139 of 1,592,368 alleles (0.0087%); highest among the groups gnomAD compares: Non-Finnish European, 0.012%; no homozygotes.

Submissions (5):

Labcorp Genetics (formerly Invitae), Labcorp
Classification: Likely benign for Autosomal recessive polycystic kidney disease. Last evaluated: 2024-02-19. Review status: criteria provided, single submitter. Criteria: Invitae Variant Classification Sherloc (09022015). Collection method: clinical testing. Allele origin: germline.

Illumina Laboratory Services, Illumina
Classification: Uncertain significance for Polycystic kidney disease 4. Last evaluated: 2018-01-12. Review status: criteria provided, single submitter. Criteria: ICSL Variant Classification Criteria 13 December 2019. Collection method: clinical testing. Allele origin: germline.

Eurofins Ntd Llc (ga)
Classification: Uncertain significance. Last evaluated: 2017-08-08. Review status: criteria provided, single submitter. Criteria: EGL Classification Definitions 2015. Collection method: clinical testing. Allele origin: germline. Observed: 1 variant allele, 1 heterozygote.

PreventionGenetics, part of Exact Sciences
Classification: Likely benign for PKHD1-related condition. Last evaluated: 2022-04-28. Review status: no assertion criteria provided. Collection method: clinical testing. Allele origin: germline. Not counted in ClinVar's aggregate classification.
Comment: This variant is classified as likely benign based on ACMG/AMP sequence variant interpretation guidelines (Richards et al. 2015 PMID: 25741868, with internal and published modifications).

Natera, Inc.
Classification: Uncertain significance for Autosomal recessive polycystic kidney disease. Last evaluated: 2018-04-30. Review status: no assertion criteria provided. Collection method: clinical testing. Allele origin: germline. Not counted in ClinVar's aggregate classification.

NM_138694.4(PKHD1):c.3628+9C>A

Gene: PKHD1 (PKHD1 ciliary IPT domain containing fibrocystin/polyductin; minus strand). Cytogenetic location: 6p12.2.
Variant type: single nucleotide variant.
Coding change: c.3628+9C>A on transcript NM_138694.4 (MANE Select); 9 bases into the intron after coding-DNA position 3628, C replaced by A.
Molecular consequence: intron variant.
Genome position (GRCh38, 1-based): chr6:52,027,820, G>T on the plus strand (C>A on the coding strand, the complement: PKHD1 is on the minus strand). VCF-style: chr6-52027820-G-T. GRCh37 (hg19) VCF-style: chr6-51892618-G-T.
Other names: c.3628+9C>A (NM_170724.3).
Identifiers: ClinVar variation 593571 (VCV000593571.26), dbSNP rs552339299, ClinGen allele CA3852888.
Genomic context (GRCh38, chr6:52,027,820, plus strand): 5'-AACAAAATCTGAATATCCAGCAAATAGAATTGCTGGATAATTGATAACAGTCACATAAGA[G>T]CCACTCACCCAGCAGGGACCCACAGCAAGGCTCGATGCTGAAAACTTCTGTGAGGTACTG-3'